The following is an entry in ClinVar:

ClinVar aggregate classification (germline): Uncertain significance (1 of 4 stars; one submission).

Conditions:
Adams-Oliver syndrome 5 (AOS5). Identifiers: Orphanet 974, MedGen C4014970, MONDO:0014459, OMIM 616028.

Allele frequency attached by ClinVar (database versions not stated): gnomAD exomes below 0.00001; TOPMed below 0.00001; gnomAD 0.00001.
gnomAD v4.1: 2 of 1,612,798 alleles (0.00012%); highest among the groups gnomAD compares: Non-Finnish European, 0.00017%; no homozygotes.

Submission:

Labcorp Genetics (formerly Invitae), Labcorp
Classification: Uncertain significance for Adams-Oliver syndrome 5. Last evaluated: 2023-11-19. Review status: criteria provided, single submitter. Criteria: Invitae Variant Classification Sherloc (09022015). Collection method: clinical testing. Allele origin: germline.
Comment: This sequence change replaces serine, which is neutral and polar, with glycine, which is neutral and non-polar, at codon 2290 of the NOTCH1 protein (p.Ser2290Gly). This variant is not present in population databases (gnomAD no frequency). This variant has not been reported in the literature in individuals affected with NOTCH1-related conditions. ClinVar contains an entry for this variant (Variation ID: 1380048). Advanced modeling of protein sequence and biophysical properties (such as structural, functional, and spatial information, amino acid conservation, physicochemical variation, residue mobility, and thermodynamic stability) performed at Invitae indicates that this missense variant is not expected to disrupt NOTCH1 protein function with a negative predictive value of 95%. In summary, the available evidence is currently insufficient to determine the role of this variant in disease. Therefore, it has been classified as a Variant of Uncertain Significance.

NM_017617.5(NOTCH1):c.6868A>G (p.Ser2290Gly)

Gene: NOTCH1 (notch receptor 1; minus strand). Cytogenetic location: 9q34.3.
Variant type: single nucleotide variant.
Coding change: c.6868A>G on transcript NM_017617.5 (MANE Select); coding-DNA position 6868, A replaced by G.
Protein change: p.Ser2290Gly; replaces serine 2290 with glycine.
Molecular consequence: missense variant.
Genome position (GRCh38, 1-based): chr9:136,496,871, T>C on the plus strand (A>G on the coding strand, the complement: NOTCH1 is on the minus strand). VCF-style: chr9-136496871-T-C. GRCh37 (hg19) VCF-style: chr9-139391323-T-C.
Other names: short protein forms S2290G.
Identifiers: ClinVar variation 1380048 (VCV001380048.8), dbSNP rs1842924133, ClinGen allele CA375630024.
Genomic context (GRCh38, chr9:136,496,871, plus strand): 5'-ACTCGCATTGACCATTCAAACTGGTGGACCCGCCCACAGTGAAATTCAGGGCCCCTCCGC[T>C]GCTGGAGCCCAGGACGGTGCTGGTGCCAGAGGCCACAGGCAGGTGGGAGAGACGAGGTGG-3'
Protein context (NP_060087.3, residues 2280-2300): SGTSTVLGSS[Ser2290Gly]GGALNFTVGG